The following is an entry in ClinVar:

ClinVar aggregate classification (germline): Uncertain significance. Review status: criteria provided, multiple submitters, no conflicts (2 of 4 stars). 2 submissions from 2 submitters: Uncertain significance (2). Last evaluated 2024-11-24.

Conditions:
Fanconi anemia (FA). Also called: Fanconi's anemia. Identifiers: Orphanet 84, MedGen C0015625, MeSH D005199, MONDO:0019391.

Allele frequency attached by ClinVar (database versions not stated): TOPMed below 0.00001; ExAC 0.00001; gnomAD 0.00001.

Submissions (2):

GeneDx
Classification: Uncertain significance. Last evaluated: 2024-11-24. Review status: criteria provided, single submitter. Criteria: GeneDx Variant Classification Process June 2021. Collection method: clinical testing. Allele origin: germline.
Comment: Not observed at significant frequency in large population cohorts (gnomAD); In silico analysis indicates that this missense variant does not alter protein structure/function; Has not been previously published as pathogenic or benign to our knowledge

Labcorp Genetics (formerly Invitae), Labcorp
Classification: Uncertain significance for Fanconi anemia. Last evaluated: 2024-06-12. Review status: criteria provided, single submitter. Criteria: Invitae Variant Classification Sherloc (09022015). Collection method: clinical testing. Allele origin: germline.
Comment: This sequence change replaces methionine, which is neutral and non-polar, with valine, which is neutral and non-polar, at codon 1573 of the FANCM protein (p.Met1573Val). This variant is present in population databases (rs780976564, gnomAD 0.004%). This variant has not been reported in the literature in individuals affected with FANCM-related conditions. ClinVar contains an entry for this variant (Variation ID: 861753). An algorithm developed to predict the effect of missense changes on protein structure and function (PolyPhen-2) suggests that this variant is likely to be tolerated. In summary, the available evidence is currently insufficient to determine the role of this variant in disease. Therefore, it has been classified as a Variant of Uncertain Significance.

NM_020937.4(FANCM):c.4717A>G (p.Met1573Val)

Gene: FANCM (FA complementation group M; plus strand). Cytogenetic location: 14q21.2.
Variant type: single nucleotide variant.
Coding change: c.4717A>G on transcript NM_020937.4 (MANE Select); coding-DNA position 4717, A replaced by G.
Protein change: p.Met1573Val; replaces methionine 1573 with valine.
Molecular consequence: missense variant.
Genome position (GRCh38, 1-based): chr14:45,187,825, A>G. VCF-style: chr14-45187825-A-G. GRCh37 (hg19) VCF-style: chr14-45657028-A-G.
Other names: c.4639A>G, p.Met1547Val (NM_001308133.2); short protein forms M1547V, M1573V.
Identifiers: ClinVar variation 861753 (VCV000861753.9), dbSNP rs780976564, ClinGen allele CA7169844.